The following is an entry in ClinVar:

NM_000374.5(UROD):c.383C>A (p.Ala128Asp)

Gene: UROD (uroporphyrinogen decarboxylase; plus strand). Cytogenetic location: 1p34.1.
Variant type: single nucleotide variant.
Coding change: c.383C>A on transcript NM_000374.5 (MANE Select); coding-DNA position 383, C replaced by A.
Protein change: p.Ala128Asp; replaces alanine 128 with aspartic acid.
Molecular consequence: missense variant. On other transcripts: non-coding transcript variant (3).
Genome position (GRCh38, 1-based): chr1:45,013,700, C>A. VCF-style: chr1-45013700-C-A. GRCh37 (hg19) VCF-style: chr1-45479372-C-A.
Other names: short protein forms A128D.
Identifiers: ClinVar variation 874339 (VCV000874339.10), dbSNP rs141792226, ClinGen allele CA825230.

ClinVar aggregate classification (germline): Uncertain significance. Review status: criteria provided, multiple submitters, no conflicts (2 of 4 stars). 2 submissions from 2 submitters: Uncertain significance (2). Last evaluated 2024-10-02.

Conditions:
Familial porphyria cutanea tarda (PCT). Also called: PCT, ''FAMILIAL'' TYPE; PCT, TYPE II; PORPHYRIA CUTANEA TARDA, TYPE II; PORPHYRIA, HEPATOCUTANEOUS TYPE; UROD DEFICIENCY; UROPORPHYRINOGEN DECARBOXYLASE DEFICIENCY. Identifiers: Orphanet 101330, Orphanet 443062, MedGen C0268323, MONDO:0008296, OMIM 176100.

Allele frequency attached by ClinVar (database versions not stated): ExAC 0.00009; TOPMed 0.00016; ESP Exome Variant Server 0.00046.
gnomAD v4.1: 46 of 1,614,062 alleles (0.0028%); highest among the groups gnomAD compares: African/African-American, 0.052%; no homozygotes.

Submissions (2):

Labcorp Genetics (formerly Invitae), Labcorp
Classification: Uncertain significance. Last evaluated: 2024-10-02. Review status: criteria provided, single submitter. Criteria: Invitae Variant Classification Sherloc (09022015). Collection method: clinical testing. Allele origin: germline.
Comment: This sequence change replaces alanine, which is neutral and non-polar, with aspartic acid, which is acidic and polar, at codon 128 of the UROD protein (p.Ala128Asp). This variant is present in population databases (rs141792226, gnomAD 0.07%). This variant has not been reported in the literature in individuals affected with UROD-related conditions. ClinVar contains an entry for this variant (Variation ID: 874339). Invitae Evidence Modeling of protein sequence and biophysical properties (such as structural, functional, and spatial information, amino acid conservation, physicochemical variation, residue mobility, and thermodynamic stability) indicates that this missense variant is not expected to disrupt UROD protein function with a negative predictive value of 80%. In summary, the available evidence is currently insufficient to determine the role of this variant in disease. Therefore, it has been classified as a Variant of Uncertain Significance.

Illumina Laboratory Services, Illumina
Classification: Uncertain significance for Familial porphyria cutanea tarda. Last evaluated: 2017-04-27. Review status: criteria provided, single submitter. Criteria: ICSL Variant Classification Criteria 13 December 2019. Collection method: clinical testing. Allele origin: germline.
Comment: This variant was observed as part of a predisposition screen in an ostensibly healthy population. A literature search was performed for the gene, cDNA change, and amino acid change (where applicable). Publications were found based on this search. However, the evidence from the literature, in combination with allele frequency data from public databases where available, was not sufficient to rule this variant in or out of causing disease. Therefore, this variant is classified as a variant of unknown significance.

Literature cited by the submitters: PubMed 24777812 (cited by Illumina Laboratory Services, Illumina).